The following is an entry in ClinVar:

ClinVar aggregate classification (germline): Likely pathogenic (1 of 4 stars; one submission).

Conditions:
Nephronophthisis. Also called: Juvenile Nephronophthisis. Identifiers: Orphanet 655, MedGen C0687120, MONDO:0019005, HP:0000090.

Allele frequency attached by ClinVar (database versions not stated): gnomAD exomes below 0.00001.
gnomAD v4.1: 1 of 1,605,678 alleles (0.000062%); highest among the groups gnomAD compares: Non-Finnish European, 0.000085%; no homozygotes.

Submission:

Labcorp Genetics (formerly Invitae), Labcorp
Classification: Likely pathogenic for Nephronophthisis. Last evaluated: 2023-11-20. Review status: criteria provided, single submitter. Criteria: Invitae Variant Classification Sherloc (09022015). Collection method: clinical testing. Allele origin: germline.
Comment: This sequence change affects a donor splice site in intron 14 of the NPHP1 gene. It is expected to disrupt RNA splicing. Variants that disrupt the donor or acceptor splice site typically lead to a loss of protein function (PMID: 16199547), and loss-of-function variants in NPHP1 are known to be pathogenic (PMID: 23559409). This variant is not present in population databases (gnomAD no frequency). This variant has not been reported in the literature in individuals affected with NPHP1-related conditions. Algorithms developed to predict the effect of sequence changes on RNA splicing suggest that this variant may disrupt the consensus splice site. In summary, the currently available evidence indicates that the variant is pathogenic, but additional data are needed to prove that conclusively. Therefore, this variant has been classified as Likely Pathogenic.

Literature cited by the submitters: PubMed 16199547; PubMed 23559409.

NM_001128178.3(NPHP1):c.1352+2T>C

Gene: NPHP1 (nephrocystin 1; minus strand). Cytogenetic location: 2q13.
Variant type: single nucleotide variant.
Coding change: c.1352+2T>C on transcript NM_001128178.3 (MANE Select); the canonical splice donor site of the intron after coding-DNA position 1352, T replaced by C.
Molecular consequence: splice donor variant.
Genome position (GRCh38, 1-based): chr2:110,146,751, A>G on the plus strand (T>C on the coding strand, the complement: NPHP1 is on the minus strand). VCF-style: chr2-110146751-A-G. GRCh37 (hg19) VCF-style: chr2-110904328-A-G.
Other names: c.1163+2T>C (NM_001128179.3); c.1349+2T>C (NM_001374256.1); c.1352+2T>C (NM_001374257.1); c.1517+2T>C (NM_207181.4); c.1520+2T>C (NM_000272.5).
Identifiers: ClinVar variation 2697781 (VCV002697781.3), dbSNP rs2467251149, ClinGen allele CA348087592.